The following is an entry in ClinVar:

NM_001364905.1(LRBA):c.2504G>A (p.Ser835Asn)

Gene: LRBA (LPS responsive beige-like anchor protein; minus strand). Cytogenetic location: 4q31.3.
Variant type: single nucleotide variant.
Coding change: c.2504G>A on transcript NM_001364905.1 (MANE Select); coding-DNA position 2504, G replaced by A.
Protein change: p.Ser835Asn; replaces serine 835 with asparagine.
Molecular consequence: missense variant.
Genome position (GRCh38, 1-based): chr4:150,868,251, C>T on the plus strand (G>A on the coding strand, the complement: LRBA is on the minus strand). VCF-style: chr4-150868251-C-T. GRCh37 (hg19) VCF-style: chr4-151789403-C-T.
Other names: c.2504G>A, p.Ser835Asn (NM_001199282.3, NM_001367550.1, NM_006726.5); short protein forms S835N.
Identifiers: ClinVar variation 836351 (VCV000836351.6), dbSNP rs866363880, ClinGen allele CA107831296.
Genomic context (GRCh38, chr4:150,868,251, plus strand): 5'-TCTCTACTGTTATTAAAAAGTTTAATCATGTCAGAAAGAAAGGCTCTGCGAACCTCCATG[C>T]TCTCTGGGCACTGGGGAGAATTTCGAAGTAGGGTCGCAATTACTTTTAGTATCTCTGTAA-3'
Protein context (NP_001351834.1, residues 825-845): LLRNSPQCPE[Ser835Asn]MEVRRAFLSD

ClinVar aggregate classification (germline): Uncertain significance. Review status: criteria provided, multiple submitters, no conflicts (2 of 4 stars). 4 submissions from 4 submitters: Uncertain significance (4). Last evaluated 2023-01-19.

Conditions:
Combined immunodeficiency due to LRBA deficiency. Also called: Common variable immunodeficiency 8, with autoimmunity. Identifiers: Orphanet 445018, MedGen C3553512, MONDO:0013863, OMIM 614700.

Allele frequency attached by ClinVar (database versions not stated): gnomAD exomes below 0.00001; TOPMed 0.00002; gnomAD 0.00003 and 0.00004.
gnomAD v4.1: 45 of 1,612,262 alleles (0.0028%); highest among the groups gnomAD compares: Non-Finnish European, 0.0038%; no homozygotes.

Submissions (4):

Blueprint Genetics
Classification: Uncertain significance. Last evaluated: 2023-01-19. Review status: criteria provided, single submitter. Criteria: ACMG Guidelines, 2015. Collection method: clinical testing. Allele origin: germline.

Revvity Omics, Revvity
Classification: Uncertain significance for Combined immunodeficiency due to LRBA deficiency. Last evaluated: 2022-11-25. Review status: criteria provided, single submitter. Criteria: ACMG Guidelines, 2015. Collection method: clinical testing. Allele origin: germline.

Baylor Genetics
Classification: Uncertain significance for Combined immunodeficiency due to LRBA deficiency. Last evaluated: 2020-05-05. Review status: criteria provided, single submitter. Criteria: ACMG Guidelines, 2015. Collection method: clinical testing. Allele origin: unknown. Affected: yes.
Comment: This variant was determined to be of uncertain significance according to ACMG Guidelines, 2015 [PMID:25741868].

Labcorp Genetics (formerly Invitae), Labcorp
Classification: Uncertain significance for Common variable immunodeficiency 8, with autoimmunity. Last evaluated: 2019-02-20. Review status: criteria provided, single submitter. Criteria: Invitae Variant Classification Sherloc (09022015). Collection method: clinical testing. Allele origin: germline.
Comment: This sequence change replaces serine with asparagine at codon 835 of the LRBA protein (p.Ser835Asn). The serine residue is weakly conserved and there is a small physicochemical difference between serine and asparagine. This variant is not present in population databases (ExAC no frequency). This variant has not been reported in the literature in individuals with LRBA-related conditions. Algorithms developed to predict the effect of missense changes on protein structure and function are either unavailable or do not agree on the potential impact of this missense change (SIFT: "Tolerated"; PolyPhen-2: "Possibly Damaging"; Align-GVGD: "Class C0"). In summary, the available evidence is currently insufficient to determine the role of this variant in disease. Therefore, it has been classified as a Variant of Uncertain Significance.